The following is an entry in ClinVar:

ClinVar aggregate classification (germline): Uncertain significance (1 of 4 stars; one submission).

Allele frequency attached by ClinVar (database versions not stated): gnomAD exomes below 0.00001; TOPMed 0.00002.
gnomAD v4.1: 3 of 1,612,208 alleles (0.00019%); highest among the groups gnomAD compares: Non-Finnish European, 0.00025%; no homozygotes.

Submission:

Ambry Genetics
Classification: Uncertain significance. Last evaluated: 2024-05-31. Review status: criteria provided, single submitter. Criteria: Ambry Variant Classification Scheme 2023. Collection method: clinical testing. Allele origin: germline.
Comment: The p.A1996T variant (also known as c.5986G>A), located in coding exon 9 of the ALPK2 gene, results from a G to A substitution at nucleotide position 5986. The alanine at codon 1996 is replaced by threonine, an amino acid with similar properties. This amino acid position is conserved. In addition, this alteration is predicted to be tolerated by in silico analysis. Since supporting evidence is limited at this time, the clinical significance of this alteration remains unclear.

NM_052947.4(ALPK2):c.5986G>A (p.Ala1996Thr)

Gene: ALPK2 (alpha kinase 2; minus strand). Cytogenetic location: 18q21.31.
Variant type: single nucleotide variant.
Coding change: c.5986G>A on transcript NM_052947.4 (MANE Select); coding-DNA position 5986, G replaced by A.
Protein change: p.Ala1996Thr; replaces alanine 1996 with threonine.
Molecular consequence: missense variant.
Genome position (GRCh38, 1-based): chr18:58,515,036, C>T on the plus strand (G>A on the coding strand, the complement: ALPK2 is on the minus strand). VCF-style: chr18-58515036-C-T. GRCh37 (hg19) VCF-style: chr18-56182268-C-T.
Other names: short protein forms A1996T.
Identifiers: ClinVar variation 1750863 (VCV001750863.2), dbSNP rs1424905119, ClinGen allele CA402546255.